The following is an entry in ClinVar:

NM_001005273.3(CHD3):c.3299G>A (p.Gly1100Asp)

Gene: CHD3 (chromodomain helicase DNA binding protein 3; plus strand). Cytogenetic location: 17p13.1.
Variant type: single nucleotide variant.
Coding change: c.3299G>A on transcript NM_001005273.3 (MANE Select); coding-DNA position 3299, G replaced by A.
Protein change: p.Gly1100Asp; replaces glycine 1100 with aspartic acid.
Molecular consequence: missense variant.
Genome position (GRCh38, 1-based): chr17:7,902,656, G>A. VCF-style: chr17-7902656-G-A. GRCh37 (hg19) VCF-style: chr17-7805974-G-A.
Other names: c.3476G>A, p.Gly1159Asp (NM_001005271.3); c.3299G>A, p.Gly1100Asp (NM_005852.4); short protein forms G1100D, G1159D.
Identifiers: ClinVar variation 3342028 (VCV003342028.16).

ClinVar aggregate classification (germline): Uncertain significance (1 of 4 stars; one submission).

Submission:

CeGaT Center for Human Genetics Tuebingen
Classification: Uncertain significance. Last evaluated: 2024-08-01. Review status: criteria provided, single submitter. Criteria: CeGaT Center For Human Genetics Tuebingen Variant Classification Criteria Version 2. Collection method: clinical testing. Allele origin: germline. Affected: yes. Observed: 2 variant alleles.
Comment: CHD3: PM2, PP2, PP3